The following is an entry in ClinVar:

ClinVar aggregate classification (germline): Uncertain significance (1 of 4 stars; one submission).

Submission:

ARUP Laboratories, Cytogenetics and Genomic Microarray, ARUP Laboratories
Classification: Uncertain significance. Last evaluated: 2024-07-09. Review status: criteria provided, single submitter. Criteria: ARUP Cytogenomic Constitutional CNV Assertion Criteria. Collection method: clinical testing. Allele origin: unknown.
Comment: Reclassified from Likely Pathogenic to Variant of Uncertain Significance SCV004802999.1

Literature cited by the submitters: PubMed 34575212.

GRCh37/hg19 10q25.2(chr10:112516279-112583094)x1

Gene: RBM20 (RNA binding motif protein 20; plus strand). Cytogenetic location: 10q25.2.
Variant type: copy number loss.
Change: copy number 1 (one copy instead of two) of chr10:112,516,279-112,583,094 (66.8 kb, GRCh37 coordinates, 1-based), cytogenetic band 10q25.2.
Identifiers: ClinVar variation 3338103 (VCV003338103.1).